The following is an entry in ClinVar:

ClinVar aggregate classification (germline): Pathogenic (1 of 4 stars; one submission).

Conditions:
Biotinidase deficiency. Also called: BTD deficiency; Late-onset biotin-responsive multiple carboxylase deficiency; Biotin deficiency. Identifiers: Orphanet 79241, MedGen C0220754, MONDO:0009665, OMIM 253260.

Submission:

Labcorp Genetics (formerly Invitae), Labcorp
Classification: Pathogenic for Biotinidase deficiency. Last evaluated: 2023-09-20. Review status: criteria provided, single submitter. Criteria: Invitae Variant Classification Sherloc (09022015). Collection method: clinical testing. Allele origin: germline.
Comment: For these reasons, this variant has been classified as Pathogenic. This sequence change replaces threonine, which is neutral and polar, with isoleucine, which is neutral and non-polar, at codon 244 of the BTD protein (p.Thr244Ile). This variant is not present in population databases (gnomAD no frequency). This missense change has been observed in individual(s) with biotinidase deficiency (PMID: 25754625). In at least one individual the data is consistent with being in trans (on the opposite chromosome) from a pathogenic variant. Advanced modeling of protein sequence and biophysical properties (such as structural, functional, and spatial information, amino acid conservation, physicochemical variation, residue mobility, and thermodynamic stability) performed at Invitae indicates that this missense variant is expected to disrupt BTD protein function.

Literature cited by the submitters: PubMed 25754625.

NM_001370658.1(BTD):c.671C>T (p.Thr224Ile)

Gene: BTD (biotinidase; plus strand). Cytogenetic location: 3p25.1.
Variant type: single nucleotide variant.
Coding change: c.671C>T on transcript NM_001370658.1 (MANE Select); coding-DNA position 671, C replaced by T.
Protein change: p.Thr224Ile; replaces threonine 224 with isoleucine.
Molecular consequence: missense variant. On other transcripts: intron variant (6).
Genome position (GRCh38, 1-based): chr3:15,644,587, C>T. VCF-style: chr3-15644587-C-T. GRCh37 (hg19) VCF-style: chr3-15686094-C-T.
Other names: c.671C>T, p.Thr224Ile (NM_001281723.4, NM_001281724.3, NM_001281725.3 and 18 more transcripts); c.399+2530C>T (NM_001370753.1, NM_001407400.1, NM_001407380.1 and 3 more transcripts); short protein forms T224I.
Identifiers: ClinVar variation 2734451 (VCV002734451.3), dbSNP rs2471512475, ClinGen allele CA351606988.